The following is an entry in ClinVar:

ClinVar aggregate classification (germline): Likely benign (1 of 4 stars; one submission).

Allele frequency attached by ClinVar (database versions not stated): gnomAD exomes below 0.00001; TOPMed below 0.00001; gnomAD 0.00001.
gnomAD v4.1: 2 of 1,611,692 alleles (0.00012%); highest among the groups gnomAD compares: Non-Finnish European, 0.00017%; no homozygotes.

Submission:

CeGaT Center for Human Genetics Tuebingen
Classification: Likely benign. Last evaluated: 2022-10-01. Review status: criteria provided, single submitter. Criteria: CeGaT Center For Human Genetics Tuebingen Variant Classification Criteria Version 2. Collection method: clinical testing. Allele origin: germline. Affected: yes. Observed: 1 variant allele.
Comment: BRAT1: BP4, BP7

NM_152743.4(BRAT1):c.1464T>G (p.Ser488=)

Gene: BRAT1 (BRCA1 associated ATM activator 1; minus strand). Cytogenetic location: 7p22.3.
Variant type: single nucleotide variant.
Coding change: c.1464T>G on transcript NM_152743.4 (MANE Select); coding-DNA position 1464, T replaced by G.
Protein change: p.Ser488=; no amino-acid change (serine 488 retained).
Molecular consequence: synonymous variant. On other transcripts: non-coding transcript variant (1).
Genome position (GRCh38, 1-based): chr7:2,539,820, A>C on the plus strand (T>G on the coding strand, the complement: BRAT1 is on the minus strand). VCF-style: chr7-2539820-A-C. GRCh37 (hg19) VCF-style: chr7-2579454-A-C.
Other names: c.1464T>G, p.Ser488= (NM_001350626.2); c.939T>G, p.Ser313= (NM_001350627.2).
Identifiers: ClinVar variation 2657233 (VCV002657233.24), dbSNP rs1779005340, ClinGen allele CA453455025.